The following is an entry in ClinVar:

ClinVar aggregate classification (germline): Uncertain significance (1 of 4 stars; one submission).

Conditions:
Primary ciliary dyskinesia. Also called: Ciliary dyskinesia. Identifiers: Orphanet 244, MedGen C0008780, MONDO:0016575, HP:0012265.

Submission:

Labcorp Genetics (formerly Invitae), Labcorp
Classification: Uncertain significance for Primary ciliary dyskinesia. Last evaluated: 2024-06-03. Review status: criteria provided, single submitter. Criteria: Invitae Variant Classification Sherloc (09022015). Collection method: clinical testing. Allele origin: germline.
Comment: This sequence change replaces serine, which is neutral and polar, with asparagine, which is neutral and polar, at codon 890 of the CCDC40 protein (p.Ser890Asn). This variant is not present in population databases (gnomAD no frequency). This variant has not been reported in the literature in individuals affected with CCDC40-related conditions. Advanced modeling of protein sequence and biophysical properties (such as structural, functional, and spatial information, amino acid conservation, physicochemical variation, residue mobility, and thermodynamic stability) performed at Invitae indicates that this missense variant is not expected to disrupt CCDC40 protein function with a negative predictive value of 80%. In summary, the available evidence is currently insufficient to determine the role of this variant in disease. Therefore, it has been classified as a Variant of Uncertain Significance.

NM_017950.4(CCDC40):c.2669G>A (p.Ser890Asn)

Gene: CCDC40 (coiled-coil domain 40 molecular ruler complex subunit; plus strand). Cytogenetic location: 17q25.3.
Variant type: single nucleotide variant.
Coding change: c.2669G>A on transcript NM_017950.4 (MANE Select); coding-DNA position 2669, G replaced by A.
Protein change: p.Ser890Asn; replaces serine 890 with asparagine.
Molecular consequence: missense variant.
Genome position (GRCh38, 1-based): chr17:80,088,060, G>A. VCF-style: chr17-80088060-G-A. GRCh37 (hg19) VCF-style: chr17-78061859-G-A.
Other names: c.2669G>A, p.Ser890Asn (NM_001243342.2); short protein forms S890N.
Identifiers: ClinVar variation 3696333 (VCV003696333.2).